The following is an entry in ClinVar:

NM_024675.4(PALB2):c.1656G>C (p.Gln552His)

Gene: PALB2 (partner and localizer of BRCA2; minus strand). Cytogenetic location: 16p12.2.
Variant type: single nucleotide variant.
Coding change: c.1656G>C on transcript NM_024675.4 (MANE Select); coding-DNA position 1656, G replaced by C.
Protein change: p.Gln552His; replaces glutamine 552 with histidine.
Molecular consequence: missense variant. On other transcripts: intron variant (3).
Genome position (GRCh38, 1-based): chr16:23,634,890, C>G on the plus strand (G>C on the coding strand, the complement: PALB2 is on the minus strand). VCF-style: chr16-23634890-C-G. GRCh37 (hg19) VCF-style: chr16-23646211-C-G.
Other names: c.1596G>C, p.Gln532His (NM_001407296.1); c.1656G>C, p.Gln552His (NM_001407297.1, NM_001407298.1, NM_001407299.1 and 3 more transcripts); c.771G>C, p.Gln257His (NM_001407304.1, NM_001407305.1, NM_001407306.1 and 5 more transcripts); c.49-5615G>C (NM_001407314.1); c.-104-4421G>C (NM_001407313.1, NM_001407312.1); short protein forms Q532H, Q552H, Q257H.
Identifiers: ClinVar variation 3656242 (VCV003656242.3).

ClinVar aggregate classification (germline): Conflicting classifications of pathogenicity. Review status: criteria provided, conflicting classifications (1 of 4 stars). 2 submissions from 2 submitters: Uncertain significance (1); Likely benign (1). Last evaluated 2026-02-17.

Conditions:
Hereditary cancer-predisposing syndrome. Also called: Hereditary Cancer Syndrome; Neoplastic Syndromes, Hereditary; Tumor predisposition; Hereditary neoplastic syndrome. Identifiers: Orphanet 140162, MedGen C0027672, MeSH D009386, MONDO:0015356.
Familial cancer of breast. Also called: BREAST CANCER, FAMILIAL; hereditary breast carcinoma; Hereditary breast cancer. Identifiers: Orphanet 227535, MedGen C0346153, MONDO:0016419, OMIM 114480. Disease mechanism: loss of function.

gnomAD v4.1: 1 of 1,613,876 alleles (0.000062%); highest among the groups gnomAD compares: Non-Finnish European, 0.000085%; no homozygotes.

Submissions (2):

Ambry Genetics
Classification: Likely benign for Hereditary cancer-predisposing syndrome. Last evaluated: 2026-02-17. Review status: criteria provided, single submitter. Criteria: Ambry Variant Classification Scheme 2023. Collection method: clinical testing. Allele origin: germline.

Labcorp Genetics (formerly Invitae), Labcorp
Classification: Uncertain significance for Familial cancer of breast. Last evaluated: 2024-06-11. Review status: criteria provided, single submitter. Criteria: Invitae Variant Classification Sherloc (09022015). Collection method: clinical testing. Allele origin: germline.
Comment: This sequence change replaces glutamine, which is neutral and polar, with histidine, which is basic and polar, at codon 552 of the PALB2 protein (p.Gln552His). This variant is not present in population databases (gnomAD no frequency). This variant has not been reported in the literature in individuals affected with PALB2-related conditions. Advanced modeling of protein sequence and biophysical properties (such as structural, functional, and spatial information, amino acid conservation, physicochemical variation, residue mobility, and thermodynamic stability) performed at Invitae indicates that this missense variant is not expected to disrupt PALB2 protein function with a negative predictive value of 80%. In summary, the available evidence is currently insufficient to determine the role of this variant in disease. Therefore, it has been classified as a Variant of Uncertain Significance.